The following is an entry in ClinVar:

ClinVar aggregate classification (germline): Uncertain significance. Review status: criteria provided, multiple submitters, no conflicts (2 of 4 stars). 3 submissions from 3 submitters: Uncertain significance (3). Last evaluated 2024-09-26.

Conditions:
Hereditary cancer-predisposing syndrome. Also called: Tumor predisposition; Hereditary neoplastic syndrome; Neoplastic Syndromes, Hereditary; Hereditary Cancer Syndrome. Identifiers: Orphanet 140162, MedGen C0027672, MeSH D009386, MONDO:0015356.
Bloom syndrome (BLM). Also called: Bloom-Torre-Machacek syndrome. Identifiers: Orphanet 125, MedGen C0005859, MONDO:0008876, OMIM 210900.

Allele frequency attached by ClinVar (database versions not stated): TOPMed below 0.00001.

Submissions (3):

Ambry Genetics
Classification: Uncertain significance for Hereditary cancer-predisposing syndrome. Last evaluated: 2024-09-26. Review status: criteria provided, single submitter. Criteria: Ambry Variant Classification Scheme 2023. Collection method: clinical testing. Allele origin: germline.
Comment: The c.3751+3G>A intronic variant results from a G to A substitution 3 nucleotides after coding exon 18 in the BLM gene. This nucleotide position is poorly conserved in available vertebrate species. In silico splice site analysis predicts that this alteration will not have any significant effect on splicing. Based on the available evidence, the clinical significance of this variant remains unclear.

Labcorp Genetics (formerly Invitae), Labcorp
Classification: Uncertain significance for Bloom syndrome. Last evaluated: 2024-09-05. Review status: criteria provided, single submitter. Criteria: Invitae Variant Classification Sherloc (09022015). Collection method: clinical testing. Allele origin: germline.
Comment: This sequence change falls in intron 19 of the BLM gene. It does not directly change the encoded amino acid sequence of the BLM protein. It affects a nucleotide within the consensus splice site. This variant is not present in population databases (gnomAD no frequency). This variant has not been reported in the literature in individuals affected with BLM-related conditions. ClinVar contains an entry for this variant (Variation ID: 1987010). Variants that disrupt the consensus splice site are a relatively common cause of aberrant splicing (PMID: 17576681, 9536098). Algorithms developed to predict the effect of sequence changes on RNA splicing suggest that this variant is not likely to affect RNA splicing. In summary, the available evidence is currently insufficient to determine the role of this variant in disease. Therefore, it has been classified as a Variant of Uncertain Significance.

Quest Diagnostics Nichols Institute San Juan Capistrano
Classification: Uncertain significance. Last evaluated: 2024-08-28. Review status: criteria provided, single submitter. Criteria: Quest Diagnostics criteria. Collection method: clinical testing. Allele origin: unknown.
Comment: The BLM c.3751+3G>A variant has not been reported in individuals with BLM-related conditions in the published literature. It also has not been reported in large, multi-ethnic general populations (Genome Aggregation Database). Analysis of this variant using software algorithms for the prediction of the effect of nucleotide changes on splicing yielded predictions that this variant does not affect BLM mRNA splicing. Based on the available information, we are unable to determine the clinical significance of this variant.

Literature cited by the submitters: PubMed 17576681 (cited by Labcorp Genetics (formerly Invitae), Labcorp); PubMed 9536098 (cited by Labcorp Genetics (formerly Invitae), Labcorp).

NM_000057.4(BLM):c.3751+3G>A

Gene: BLM (BLM RecQ like helicase; plus strand). Cytogenetic location: 15q26.1.
Variant type: single nucleotide variant.
Coding change: c.3751+3G>A on transcript NM_000057.4 (MANE Select); 3 bases into the intron after coding-DNA position 3751, G replaced by A.
Molecular consequence: intron variant.
Genome position (GRCh38, 1-based): chr15:90,804,362, G>A. VCF-style: chr15-90804362-G-A. GRCh37 (hg19) VCF-style: chr15-91347592-G-A.
Other names: c.3751+3G>A (NM_001287246.2, NM_000057.2, NM_000057.3); c.2626+3G>A (NM_001287248.2); c.3359-4775G>A (NM_001287247.2).
Identifiers: ClinVar variation 1987010 (VCV001987010.6), dbSNP rs1897239508, ClinGen allele CA2195293728.